The following is an entry in ClinVar:

NM_001100.4(ACTA1):c.455-18_455-15del

Gene: ACTA1 (actin alpha 1, skeletal muscle; minus strand). Cytogenetic location: 1q42.13.
Variant type: Microsatellite.
Coding change: c.455-18_455-15del on transcript NM_001100.4 (MANE Select); 18 bases into the intron before coding-DNA position 455 through 15 bases into the intron before coding-DNA position 455, 4 bases deleted (TCTC; older notation c.455-18_455-15delTCTC).
Molecular consequence: intron variant.
Genome position (GRCh38, 1-based): chr1:229,432,446-229,432,449, GAGA deleted on the plus strand (TCTC on the coding strand, the reverse complement: ACTA1 is on the minus strand); deleting any 4 consecutive bases within chr1:229,432,446-229,432,452 gives the same sequence; the c. name uses the placement nearest the transcript's 3' end. VCF-style (leftmost placement, unchanged base first): chr1-229432445-GGAGA-G. GRCh37 (hg19) VCF-style: chr1-229568192-GGAGA-G.
Identifiers: ClinVar variation 4747684 (VCV004747684.1).

ClinVar aggregate classification (germline): Uncertain significance (1 of 4 stars; one submission).

Conditions:
Actin accumulation myopathy (CMYO2A). Also called: Myopathy, actin, congenital, with cores; Nemaline myopathy 3, with intranuclear rods; Nemaline myopathy type 3; Myopathy, actin, congenital, with excess of thin myofilaments; CONGENITAL MYOPATHY 2A, TYPICAL, AUTOSOMAL DOMINANT. Identifiers: Orphanet 98904, MedGen C3711389, MONDO:0008070, OMIM 161800.

Submission:

Labcorp Genetics (formerly Invitae), Labcorp
Classification: Uncertain significance for Actin accumulation myopathy. Last evaluated: 2025-12-01. Review status: criteria provided, single submitter. Criteria: Invitae Variant Classification Sherloc (09022015). Collection method: clinical testing. Allele origin: germline.
Comment: This sequence change falls in intron 3 of the ACTA1 gene. It does not directly change the encoded amino acid sequence of the ACTA1 protein. This variant is present in population databases (no rsID available, gnomAD no frequency). This variant has not been reported in the literature in individuals affected with ACTA1-related conditions. Algorithms developed to predict the effect of sequence changes on RNA splicing suggest that this variant may create or strengthen a splice site. In summary, the available evidence is currently insufficient to determine the role of this variant in disease. Therefore, it has been classified as a Variant of Uncertain Significance.